The following is an entry in ClinVar:

ClinVar aggregate classification (germline): Uncertain significance (1 of 4 stars; one submission).

Conditions:
Hereditary cancer-predisposing syndrome. Also called: Neoplastic Syndromes, Hereditary; Tumor predisposition; Hereditary neoplastic syndrome; Hereditary Cancer Syndrome. Identifiers: Orphanet 140162, MedGen C0027672, MeSH D009386, MONDO:0015356.

Submission:

Ambry Genetics
Classification: Uncertain significance for Hereditary cancer-predisposing syndrome. Last evaluated: 2024-04-01. Review status: criteria provided, single submitter. Criteria: Ambry Variant Classification Scheme 2023. Collection method: clinical testing. Allele origin: germline.
Comment: The p.Q663H variant (also known as c.1989G>T), located in coding exon 14 of the PTCH1 gene, results from a G to T substitution at nucleotide position 1989. The glutamine at codon 663 is replaced by histidine, an amino acid with highly similar properties. This amino acid position is conserved. In addition, the in silico prediction for this alteration is inconclusive. Based on the available evidence, the clinical significance of this alteration remains unclear.

NM_000264.5(PTCH1):c.1989G>T (p.Gln663His)

Genes: PTCH1 (patched 1; minus strand), LOC100507346 (uncharacterized LOC100507346; plus strand). Cytogenetic location: 9q22.32.
Variant type: single nucleotide variant.
Coding change: c.1989G>T on transcript NM_000264.5 (MANE Select); coding-DNA position 1989, G replaced by T.
Protein change: p.Gln663His; replaces glutamine 663 with histidine.
Molecular consequence: missense variant. On other transcripts: non-coding transcript variant (2).
Genome position (GRCh38, 1-based): chr9:95,469,012, C>A on the plus strand (G>T on the coding strand, the complement: PTCH1 is on the minus strand). VCF-style: chr9-95469012-C-A. GRCh37 (hg19) VCF-style: chr9-98231294-C-A.
Other names: c.1791G>T, p.Gln597His (NM_001083602.3); c.1986G>T, p.Gln662His (NM_001083603.3); c.1536G>T, p.Gln512His (NM_001083604.3, NM_001083605.3, NM_001083606.3 and 1 more transcripts); c.1833G>T, p.Gln611His (NM_001354918.2); short protein forms Q662H, Q663H, Q512H, Q597H, Q611H.
Identifiers: ClinVar variation 3311149 (VCV003311149.1).